The following is an entry in ClinVar:

ClinVar aggregate classification (germline): Conflicting classifications of pathogenicity. Review status: criteria provided, conflicting classifications (1 of 4 stars). 2 submissions from 2 submitters: Likely pathogenic (1); Uncertain significance (1). Last evaluated 2024-08-09.

Conditions:
Tall stature-scoliosis-macrodactyly of the great toes syndrome. Also called: Epiphyseal chondrodysplasia, miura type. Identifiers: Orphanet 329191, MedGen C4014690, MONDO:0014401, OMIM 615923.
Acromesomelic dysplasia 1, Maroteaux type (AMD1). Also called: ACROMESOMELIC DYSPLASIA 1; ST. HELENA DYSPLASIA. Identifiers: Orphanet 40, MedGen C1864356, MONDO:0011275, OMIM 602875.

Allele frequency attached by ClinVar (database versions not stated): gnomAD exomes below 0.00001; TOPMed below 0.00001.
gnomAD v4.1: 2 of 1,614,188 alleles (0.00012%); highest among the groups gnomAD compares: Non-Finnish European, 0.00017%; no homozygotes.

Submissions (2):

GeneDx
Classification: Likely pathogenic. Last evaluated: 2024-08-09. Review status: criteria provided, single submitter. Criteria: GeneDx Variant Classification Process June 2021. Collection method: clinical testing. Allele origin: germline. Affected: yes.
Comment: Published functional studies demonstrate a damaging effect; A409T causes a defect in trafficking of the protein from the endoplasmic reticulum to the plasma membrane creating a non-functional protein (PMID: 18945719); In silico analysis indicates that this missense variant does not alter protein structure/function; Not observed at significant frequency in large population cohorts (gnomAD); This variant is associated with the following publications: (PMID: 26926249, 30359775, 18945719, 15146390)

Labcorp Genetics (formerly Invitae), Labcorp
Classification: Uncertain significance for Tall stature-scoliosis-macrodactyly of the great toes syndrome; Acromesomelic dysplasia 1, Maroteaux type. Last evaluated: 2024-02-02. Review status: criteria provided, single submitter. Criteria: Invitae Variant Classification Sherloc (09022015). Collection method: clinical testing. Allele origin: germline.
Comment: This sequence change replaces alanine, which is neutral and non-polar, with threonine, which is neutral and polar, at codon 409 of the NPR2 protein (p.Ala409Thr). This variant is not present in population databases (gnomAD no frequency). This missense change has been observed in individual(s) with acromesomelic dysplasia (PMID: 15146390). ClinVar contains an entry for this variant (Variation ID: 1434966). Advanced modeling of protein sequence and biophysical properties (such as structural, functional, and spatial information, amino acid conservation, physicochemical variation, residue mobility, and thermodynamic stability) performed at Invitae indicates that this missense variant is not expected to disrupt NPR2 protein function with a negative predictive value of 80%. Experimental studies have shown that this missense change affects NPR2 function (PMID: 18945719). In summary, the available evidence is currently insufficient to determine the role of this variant in disease. Therefore, it has been classified as a Variant of Uncertain Significance.

Literature cited by the submitters: PubMed 15146390 (cited by Labcorp Genetics (formerly Invitae), Labcorp); PubMed 18945719 (cited by Labcorp Genetics (formerly Invitae), Labcorp).

NM_003995.4(NPR2):c.1225G>A (p.Ala409Thr)

Gene: NPR2 (natriuretic peptide receptor 2; plus strand). Cytogenetic location: 9p13.3.
Variant type: single nucleotide variant.
Coding change: c.1225G>A on transcript NM_003995.4 (MANE Select); coding-DNA position 1225, G replaced by A.
Protein change: p.Ala409Thr; replaces alanine 409 with threonine.
Molecular consequence: missense variant.
Genome position (GRCh38, 1-based): chr9:35,800,715, G>A. VCF-style: chr9-35800715-G-A. GRCh37 (hg19) VCF-style: chr9-35800712-G-A.
Other names: c.1225G>A, p.Ala409Thr (NM_001378923.1); c.1225G>A (NM_003995.3); short protein forms A409T.
Identifiers: ClinVar variation 1434966 (VCV001434966.7), dbSNP rs1828117923, ClinGen allele CA373370903.